The following is an entry in ClinVar:

ClinVar aggregate classification (germline): Benign/Likely benign. Review status: criteria provided, multiple submitters, no conflicts (2 of 4 stars). 4 submissions from 4 submitters: Benign (1); Likely benign (3). Last evaluated 2026-04-20.

Conditions:
Neuropathy, hereditary sensory and autonomic, type 1A (HSAN1A). Also called: NEUROPATHY, HEREDITARY SENSORY AND AUTONOMIC, TYPE IA; SPTLC1-Related Hereditary Sensory Neuropathy; HSAN IA; HSN IA; NEUROPATHY, HEREDITARY SENSORY RADICULAR, AUTOSOMAL DOMINANT, TYPE 1A. Identifiers: MedGen C5235211, MONDO:0008086, OMIM 162400.
Inborn genetic diseases. Identifiers: MedGen C0950123, MeSH D030342.
Hereditary sensory and autonomic neuropathy type 1 (HSAN1). Also called: HSAN 1; HSN Type I; Hereditary Sensory Neuropathy Type I. Identifiers: Orphanet 36386, MedGen C0020071, MONDO:0018213.
SPTLC1-related disorder. Also called: SPTLC1-related condition.

Allele frequency attached by ClinVar (database versions not stated): gnomAD 0.00004 and 0.00006; gnomAD exomes 0.00008; ExAC 0.00010; ESP Exome Variant Server 0.00008; 1000 Genomes Project 30x 0.00016; 1000 Genomes Project 0.00020; TOPMed 0.00010.
gnomAD v4.1: 75 of 1,614,104 alleles (0.0046%); highest among the groups gnomAD compares: East Asian, 0.08%; no homozygotes.

Submissions (4):

PreventionGenetics, part of Exact Sciences
Classification: Likely benign for SPTLC1-related condition. Last evaluated: 2026-04-20. Review status: criteria provided, single submitter. Criteria: ACMG Guidelines, 2015. Collection method: clinical testing. Allele origin: germline.
Comment: This variant is classified as likely benign based on ACMG/AMP sequence variant interpretation guidelines (Richards et al. 2015 PMID: 25741868, with internal and published modifications).

Labcorp Genetics (formerly Invitae), Labcorp
Classification: Likely benign for Hereditary sensory and autonomic neuropathy type 1. Last evaluated: 2025-11-17. Review status: criteria provided, single submitter. Criteria: Invitae Variant Classification Sherloc (09022015). Collection method: clinical testing. Allele origin: germline.

Ambry Genetics
Classification: Likely benign for Inborn genetic diseases. Last evaluated: 2019-07-11. Review status: criteria provided, single submitter. Criteria: Ambry Variant Classification Scheme 2023. Collection method: clinical testing. Allele origin: germline.

Illumina Laboratory Services, Illumina
Classification: Benign for Neuropathy, hereditary sensory and autonomic, type 1A. Last evaluated: 2018-01-13. Review status: criteria provided, single submitter. Criteria: ICSL Variant Classification Criteria 13 December 2019. Collection method: clinical testing. Allele origin: germline.
Comment: This variant was observed in the ICSL laboratory as part of a predisposition screen in an ostensibly healthy population. It had not been previously curated by ICSL or reported in the Human Gene Mutation Database (HGMD: prior to June 1st, 2018), and was therefore a candidate for classification through an automated scoring system. Utilizing variant allele frequency, disease prevalence and penetrance estimates, and inheritance mode, an automated score was calculated to assess if this variant is too frequent to cause the disease. Based on the score and internal cut-off values, a variant classified as benign is not then subjected to further curation. The score for this variant resulted in a classification of benign for this disease.

NM_006415.4(SPTLC1):c.501A>G (p.Gly167=)

Gene: SPTLC1 (serine palmitoyltransferase long chain base subunit 1; minus strand). Cytogenetic location: 9q22.31.
Variant type: single nucleotide variant.
Coding change: c.501A>G on transcript NM_006415.4 (MANE Select); coding-DNA position 501, A replaced by G.
Protein change: p.Gly167=; no amino-acid change (glycine 167 retained).
Molecular consequence: synonymous variant.
Genome position (GRCh38, 1-based): chr9:92,068,025, T>C on the plus strand (A>G on the coding strand, the complement: SPTLC1 is on the minus strand). VCF-style: chr9-92068025-T-C. GRCh37 (hg19) VCF-style: chr9-94830307-T-C.
Other names: c.501A>G, p.Gly167= (NM_001281303.2); c.135A>G, p.Gly45= (NM_001368272.1); c.36A>G, p.Gly12= (NM_001368273.1).
Identifiers: ClinVar variation 526713 (VCV000526713.18), dbSNP rs139980134, ClinGen allele CA5121523.
Genomic context (GRCh38, chr9:92,068,025, plus strand): 5'-CACAAAAACAATGTCCCCTCTTTTAGAGTAAGCAGGAATAGCACTGGCTATGGTGGCAAA[T>C]CCATATGAGTATATAATGGCTTCTTCTGTCTTCATAAATTTTGCCAGGCGGTCTTCCAAA-3'
Protein context (NP_006406.1, residues 157-177): KTEEAIIYSY[Gly167=]FATIASAIPA